The following is an entry in ClinVar:

NM_144573.4(NEXN):c.1451G>A (p.Arg484Gln)

Gene: NEXN (nexilin F-actin binding protein; plus strand). Cytogenetic location: 1p31.1.
Variant type: single nucleotide variant.
Coding change: c.1451G>A on transcript NM_144573.4 (MANE Select); coding-DNA position 1451, G replaced by A.
Protein change: p.Arg484Gln; replaces arginine 484 with glutamine.
Molecular consequence: missense variant.
Genome position (GRCh38, 1-based): chr1:77,936,022, G>A. VCF-style: chr1-77936022-G-A. GRCh37 (hg19) VCF-style: chr1-78401707-G-A.
Other names: c.1259G>A, p.Arg420Gln (NM_001172309.2); short protein forms R484Q, R420Q.
Identifiers: ClinVar variation 838951 (VCV000838951.11), dbSNP rs1342442796, ClinGen allele CA340879432.

ClinVar aggregate classification (germline): Uncertain significance. Review status: criteria provided, multiple submitters, no conflicts (2 of 4 stars). 3 submissions from 3 submitters: Uncertain significance (2). 1 of the submissions does not count toward it. Last evaluated 2024-04-28.

Conditions:
Hypertrophic cardiomyopathy 20. Identifiers: MedGen C3151267, MONDO:0013477, OMIM 613876.
Dilated cardiomyopathy 1CC (CMD1CC). Identifiers: Orphanet 154, MedGen C2751084, MONDO:0013147, OMIM 613122.
Cardiovascular phenotype. Identifiers: MedGen CN230736.
NEXN-related disorder. Also called: NEXN-related condition; NEXN-related disorders.

Allele frequency attached by ClinVar (database versions not stated): gnomAD exomes below 0.00001 and 0.00001; TOPMed 0.00002.
gnomAD v4.1: 21 of 1,613,138 alleles (0.0013%); highest among the groups gnomAD compares: East Asian, 0.0067%; no homozygotes.

Submissions (3):

Ambry Genetics
Classification: Uncertain significance for Cardiovascular phenotype. Last evaluated: 2024-04-28. Review status: criteria provided, single submitter. Criteria: Ambry Variant Classification Scheme 2023. Collection method: clinical testing. Allele origin: germline.
Comment: The p.R484Q variant (also known as c.1451G>A), located in coding exon 10 of the NEXN gene, results from a G to A substitution at nucleotide position 1451. The arginine at codon 484 is replaced by glutamine, an amino acid with highly similar properties. This amino acid position is conserved. In addition, the in silico prediction for this alteration is inconclusive. Based on the available evidence, the clinical significance of this variant remains unclear.

Labcorp Genetics (formerly Invitae), Labcorp
Classification: Uncertain significance for Dilated cardiomyopathy 1CC; Hypertrophic cardiomyopathy 20. Last evaluated: 2021-12-21. Review status: criteria provided, single submitter. Criteria: Invitae Variant Classification Sherloc (09022015). Collection method: clinical testing. Allele origin: germline.
Comment: In summary, the available evidence is currently insufficient to determine the role of this variant in disease. Therefore, it has been classified as a Variant of Uncertain Significance. Algorithms developed to predict the effect of missense changes on protein structure and function are either unavailable or do not agree on the potential impact of this missense change (SIFT: "Deleterious"; PolyPhen-2: "Probably Damaging"; Align-GVGD: "Class C0"). ClinVar contains an entry for this variant (Variation ID: 838951). This variant has not been reported in the literature in individuals affected with NEXN-related conditions. This variant is present in population databases (no rsID available, gnomAD 0.0009%). This sequence change replaces arginine, which is basic and polar, with glutamine, which is neutral and polar, at codon 484 of the NEXN protein (p.Arg484Gln).

PreventionGenetics, part of Exact Sciences
Classification: Uncertain significance for NEXN-related condition. Last evaluated: 2024-09-03. Review status: no assertion criteria provided. Collection method: clinical testing. Allele origin: germline. Not counted in ClinVar's aggregate classification.
Comment: The NEXN c.1451G>A variant is predicted to result in the amino acid substitution p.Arg484Gln. To our knowledge, this variant has not been reported in the literature. This variant is reported in 0.00089% of alleles in individuals of European (Non-Finnish) descent in gnomAD. At this time, the clinical significance of this variant is uncertain due to the absence of conclusive functional and genetic evidence.